The following is an entry in ClinVar:

ClinVar aggregate classification (germline): Pathogenic (1 of 4 stars; one submission).

Conditions:
Duchenne muscular dystrophy (DMD). Also called: MUSCULAR DYSTROPHY, PSEUDOHYPERTROPHIC PROGRESSIVE, DUCHENNE TYPE; Duchenne Muscular Dystrophy (DMD). Identifiers: Orphanet 98896, MedGen C0013264, MONDO:0010679, OMIM 310200.

Submission:

Labcorp Genetics (formerly Invitae), Labcorp
Classification: Pathogenic for Duchenne muscular dystrophy. Last evaluated: 2025-07-02. Review status: criteria provided, single submitter. Criteria: Invitae Variant Classification Sherloc (09022015). Collection method: clinical testing. Allele origin: germline.
Comment: This sequence change creates a premature translational stop signal (p.Tyr1187*) in the DMD gene. It is expected to result in an absent or disrupted protein product. Loss-of-function variants in DMD are known to be pathogenic (PMID: 16770791, 25007885). This variant is not present in population databases (gnomAD no frequency). This variant has not been reported in the literature in individuals affected with DMD-related conditions. For these reasons, this variant has been classified as Pathogenic.

Literature cited by the submitters: PubMed 16770791; PubMed 25007885.

NM_004006.3(DMD):c.3561T>G (p.Tyr1187Ter)

Gene: DMD (dystrophin; minus strand). Cytogenetic location: Xp21.1.
Variant type: single nucleotide variant.
Coding change: c.3561T>G on transcript NM_004006.3 (MANE Select); coding-DNA position 3561, T replaced by G.
Protein change: p.Tyr1187Ter; replaces tyrosine 1187 with a stop codon.
Molecular consequence: nonsense.
Genome position (GRCh38, 1-based): chrX:32,454,704, A>C on the plus strand (T>G on the coding strand, the complement: DMD is on the minus strand). VCF-style: chrX-32454704-A-C. GRCh37 (hg19) VCF-style: chrX-32472821-A-C.
Other names: c.3537T>G, p.Tyr1179Ter (NM_000109.4); c.3549T>G, p.Tyr1183Ter (NM_004009.3); c.3192T>G, p.Tyr1064Ter (NM_004010.3); short protein forms Y1064*, Y1179*, Y1183*, Y1187*.
Identifiers: ClinVar variation 4719189 (VCV004719189.1).